The following is an entry in ClinVar:

ClinVar aggregate classification (germline): Uncertain significance (1 of 4 stars; one submission).

Conditions:
Alstrom syndrome (ALMS). Identifiers: Orphanet 64, MedGen C0268425, MONDO:0008763, OMIM 203800.

Submission:

Labcorp Genetics (formerly Invitae), Labcorp
Classification: Uncertain significance for Alstrom syndrome. Last evaluated: 2022-04-04. Review status: criteria provided, single submitter. Criteria: Invitae Variant Classification Sherloc (09022015). Collection method: clinical testing. Allele origin: germline.
Comment: Experimental studies and prediction algorithms are not available or were not evaluated, and the functional significance of this variant is currently unknown. In summary, the available evidence is currently insufficient to determine the role of this variant in disease. Therefore, it has been classified as a Variant of Uncertain Significance. This variant has not been reported in the literature in individuals affected with ALMS1-related conditions. This sequence change replaces proline, which is neutral and non-polar, with threonine, which is neutral and polar, at codon 785 of the ALMS1 protein (p.Pro785Thr). This variant is not present in population databases (gnomAD no frequency).

NM_001378454.1(ALMS1):c.2350C>A (p.Pro784Thr)

Gene: ALMS1 (ALMS1 centrosome and basal body associated protein; plus strand). Cytogenetic location: 2p13.1.
Variant type: single nucleotide variant.
Coding change: c.2350C>A on transcript NM_001378454.1 (MANE Select); coding-DNA position 2350, C replaced by A.
Protein change: p.Pro784Thr; replaces proline 784 with threonine.
Molecular consequence: missense variant.
Genome position (GRCh38, 1-based): chr2:73,448,877, C>A. VCF-style: chr2-73448877-C-A. GRCh37 (hg19) VCF-style: chr2-73676004-C-A.
Other names: c.2353C>A, p.Pro785Thr (NM_015120.4); short protein forms P785T, P784T.
Identifiers: ClinVar variation 2147259 (VCV002147259.4), dbSNP rs2466094392, ClinGen allele CA347269764.